The following is an entry in ClinVar:

NM_015443.4(KANSL1):c.750T>C (p.Pro250=)

Gene: KANSL1 (KAT8 regulatory NSL complex subunit 1). Cytogenetic location: 17q21.31.
Variant type: single nucleotide variant.
Coding change: c.750T>C on transcript NM_015443.4 (MANE Select); coding-DNA position 750, T replaced by C.
Protein change: p.Pro250=; no amino-acid change (proline 250 retained).
Molecular consequence: synonymous variant.
Genome position (GRCh38, 1-based): chr17:46,171,394, A>G on the plus strand (T>C on the coding strand, the complement: KANSL1 is on the minus strand). VCF-style: chr17-46171394-A-G. GRCh37 (hg19) VCF-style: chr17-44248760-A-G.
Other names: c.750T>C, p.Pro250= (NM_001193465.2, NM_001193466.2, NM_001379198.1).
Identifiers: ClinVar variation 515660 (VCV000515660.1), dbSNP rs1555575566, ClinGen allele CA500644360.

ClinVar aggregate classification (germline): Likely benign (1 of 4 stars; one submission).

Allele frequency attached by ClinVar (database versions not stated): gnomAD exomes below 0.00001.
gnomAD v4.1: 1 of 1,614,156 alleles (0.000062%); highest among the groups gnomAD compares: Non-Finnish European, 0.000085%; no homozygotes.

Submission:

GeneDx
Classification: Likely benign. Last evaluated: 2018-02-22. Review status: criteria provided, single submitter. Criteria: GeneDx Variant Classification (06012015). Collection method: clinical testing. Allele origin: germline. Affected: yes.
Comment: This variant is considered likely benign or benign based on one or more of the following criteria: it is a conservative change, it occurs at a poorly conserved position in the protein, it is predicted to be benign by multiple in silico algorithms, and/or has population frequency not consistent with disease.